The following is an entry in ClinVar:

NM_000051.4(ATM):c.3086_3090del (p.Thr1029fs)

Gene: ATM (ATM serine/threonine kinase; plus strand). Cytogenetic location: 11q22.3.
Variant type: Deletion.
Coding change: c.3086_3090del on transcript NM_000051.4 (MANE Select); coding-DNA positions 3086 to 3090, 5 bases deleted (CAAAG; older notation c.3086_3090delCAAAG).
Protein change: p.Thr1029fs; shifts the reading frame from threonine 1029.
Molecular consequence: frameshift variant.
Genome position (GRCh38, 1-based): chr11:108,272,540-108,272,544, CAAAG deleted. VCF-style (leftmost placement, unchanged base first): chr11-108272539-ACAAAG-A. GRCh37 (hg19) VCF-style: chr11-108143266-ACAAAG-A.
Other names: c.3086_3090del, p.Thr1029fs (NM_001351834.2); short protein forms T1029fs.
Identifiers: ClinVar variation 1363139 (VCV001363139.6), dbSNP rs2135565205, ClinGen allele CA2573146617.

ClinVar aggregate classification (germline): Pathogenic (1 of 4 stars; one submission).

Conditions:
Ataxia-telangiectasia syndrome (AT). Also called: ATAXIA-TELANGIECTASIA, COMPLEMENTATION GROUP A; ATAXIA-TELANGIECTASIA, FRESNO VARIANT; Ataxia-telangiectasia; Ataxia-telangiectasia, complementation group D; Ataxia-telangiectasia, complementation group E; Ataxia telangiectasia (A-T). Identifiers: Orphanet 100, MedGen C0004135, MONDO:0008840, OMIM 208900.

Submission:

Labcorp Genetics (formerly Invitae), Labcorp
Classification: Pathogenic for Ataxia-telangiectasia syndrome. Last evaluated: 2021-03-11. Review status: criteria provided, single submitter. Criteria: Invitae Variant Classification Sherloc (09022015). Collection method: clinical testing. Allele origin: germline.
Comment: This sequence change creates a premature translational stop signal (p.Thr1029Argfs*17) in the ATM gene. It is expected to result in an absent or disrupted protein product. Loss-of-function variants in ATM are known to be pathogenic (PMID: 23807571, 25614872). This variant is not present in population databases (ExAC no frequency). This variant has not been reported in the literature in individuals with ATM-related conditions. For these reasons, this variant has been classified as Pathogenic.

Literature cited by the submitters: PubMed 23807571; PubMed 25614872.